The following is an entry in ClinVar:

ClinVar aggregate classification (germline): Uncertain significance (1 of 4 stars; one submission).

Conditions:
Tuberous sclerosis 2 (TSC2). Identifiers: Orphanet 805, MedGen C1860707, MONDO:0013199, OMIM 613254.

Submission:

Labcorp Genetics (formerly Invitae), Labcorp
Classification: Uncertain significance for Tuberous sclerosis 2. Last evaluated: 2022-08-23. Review status: criteria provided, single submitter. Criteria: Invitae Variant Classification Sherloc (09022015). Collection method: clinical testing. Allele origin: germline.
Comment: In summary, the available evidence is currently insufficient to determine the role of this variant in disease. Therefore, it has been classified as a Variant of Uncertain Significance. ClinVar contains an entry for this variant (Variation ID: 1433454). This premature translational stop signal has been observed in individual(s) with tuberous sclerosis complex (TSC) (PMID: 21520333, 24789117; Invitae). This variant is not present in population databases (gnomAD no frequency). This sequence change creates a premature translational stop signal (p.Glu1783*) in the TSC2 gene. While this is not anticipated to result in nonsense mediated decay, it is expected to disrupt the last 25 amino acid(s) of the TSC2 protein.

Literature cited by the submitters: PubMed 21520333; PubMed 24789117.

NM_000548.5(TSC2):c.5347G>T (p.Glu1783Ter)

Gene: TSC2 (TSC complex subunit 2; plus strand). Cytogenetic location: 16p13.3.
Variant type: single nucleotide variant.
Coding change: c.5347G>T on transcript NM_000548.5 (MANE Select); coding-DNA position 5347, G replaced by T.
Protein change: p.Glu1783Ter; replaces glutamic acid 1783 with a stop codon.
Molecular consequence: nonsense.
Genome position (GRCh38, 1-based): chr16:2,088,533, G>T. VCF-style: chr16-2088533-G-T. GRCh37 (hg19) VCF-style: chr16-2138534-G-T.
Other names: c.5206G>T, p.Glu1736Ter (NM_001370405.1); c.5218G>T, p.Glu1740Ter (NM_021055.3); c.5146G>T, p.Glu1716Ter (NM_001077183.3); c.5278G>T, p.Glu1760Ter (NM_001114382.3); c.5038G>T, p.Glu1680Ter (NM_001318827.2); c.5002G>T, p.Glu1668Ter (NM_001318829.2); c.4615G>T, p.Glu1539Ter (NM_001318831.2); c.5179G>T, p.Glu1727Ter (NM_001318832.2); and 2 more; short protein forms E1539*, E1717*, E1727*, E1736*, E1739*, E1668*, E1716*, E1760*.
Identifiers: ClinVar variation 1433454 (VCV001433454.8), dbSNP rs777166275, ClinGen allele CA394315717.